The following is an entry in ClinVar:

NM_006017.3(PROM1):c.1656G>A (p.Met552Ile)

Gene: PROM1 (prominin 1; minus strand). Cytogenetic location: 4p15.32.
Variant type: single nucleotide variant.
Coding change: c.1656G>A on transcript NM_006017.3 (MANE Select); coding-DNA position 1656, G replaced by A.
Protein change: p.Met552Ile; replaces methionine 552 with isoleucine.
Molecular consequence: missense variant.
Genome position (GRCh38, 1-based): chr4:15,998,411, C>T on the plus strand (G>A on the coding strand, the complement: PROM1 is on the minus strand). VCF-style: chr4-15998411-C-T. GRCh37 (hg19) VCF-style: chr4-16000034-C-T.
Other names: c.1629G>A, p.Met543Ile (NM_001145847.2, NM_001145848.2, NM_001145851.2 and 4 more transcripts); c.1656G>A, p.Met552Ile (NM_001145849.2, NM_001145850.2); short protein forms M543I, M552I.
Identifiers: ClinVar variation 1038390 (VCV001038390.8), dbSNP rs1722852636, ClinGen allele CA356431770.

ClinVar aggregate classification (germline): Uncertain significance (1 of 4 stars; one submission).

Allele frequency attached by ClinVar (database versions not stated): gnomAD exomes below 0.00001; TOPMed below 0.00001.
gnomAD v4.1: 1 of 1,604,672 alleles (0.000062%); highest among the groups gnomAD compares: Admixed American, 0.0017%; no homozygotes.

Submission:

Labcorp Genetics (formerly Invitae), Labcorp
Classification: Uncertain significance. Last evaluated: 2022-11-15. Review status: criteria provided, single submitter. Criteria: Invitae Variant Classification Sherloc (09022015). Collection method: clinical testing. Allele origin: germline.
Comment: In summary, the available evidence is currently insufficient to determine the role of this variant in disease. Therefore, it has been classified as a Variant of Uncertain Significance. Advanced modeling of protein sequence and biophysical properties (such as structural, functional, and spatial information, amino acid conservation, physicochemical variation, residue mobility, and thermodynamic stability) performed at Invitae indicates that this missense variant is not expected to disrupt PROM1 protein function. ClinVar contains an entry for this variant (Variation ID: 1038390). This variant has not been reported in the literature in individuals affected with PROM1-related conditions. This variant is not present in population databases (gnomAD no frequency). This sequence change replaces methionine, which is neutral and non-polar, with isoleucine, which is neutral and non-polar, at codon 552 of the PROM1 protein (p.Met552Ile).